The following is an entry in ClinVar:

ClinVar aggregate classification (germline): Likely pathogenic (1 of 4 stars; one submission).

Conditions:
CHARGE syndrome (CHARGE). Also called: Hittner Hirsch Kreh syndrome; CHARGE ASSOCIATION--COLOBOMA, HEART ANOMALY, CHOANAL ATRESIA, RETARDATION, GENITAL AND EAR ANOMALIES; Coloboma, heart anomaly, choanal atresia, retardation, genital and ear anomalies; CHARGE association; Hall-Hittner syndrome. Identifiers: Orphanet 138, MedGen C0265354, MONDO:0008965.

Submission:

Human Genetics Bochum, Ruhr University Bochum
Classification: Likely pathogenic for CHD7-related CHARGE syndrome. Last evaluated: 2023-12-21. Review status: criteria provided, single submitter. Criteria: ACMG Guidelines, 2015. Collection method: clinical testing. Allele origin: germline. Affected: yes.
Comment: ACMG criteria used to clasify this variant: PVS1, PM2_SUP

NM_017780.4(CHD7):c.3818del (p.His1273fs)

Gene: CHD7 (chromodomain helicase DNA binding protein 7; plus strand). Cytogenetic location: 8q12.2.
Variant type: Deletion.
Coding change: c.3818del on transcript NM_017780.4 (MANE Select); coding-DNA position 3818, one base deleted (A; older notation c.3818delA).
Protein change: p.His1273fs; shifts the reading frame from histidine 1273.
Molecular consequence: frameshift variant. On other transcripts: intron variant (1).
Genome position (GRCh38, 1-based): chr8:60,836,112, A deleted. VCF-style (leftmost placement, unchanged base first): chr8-60836111-CA-C. GRCh37 (hg19) VCF-style: chr8-61748670-CA-C.
Other names: c.1717-26117del (NM_001316690.1); short protein forms H1273fs.
Identifiers: ClinVar variation 3027468 (VCV003027468.1), dbSNP rs2487895128, ClinGen allele CA2740095053.